The following is an entry in ClinVar:

NM_212550.5(BLOC1S3):c.133G>A (p.Gly45Ser)

Gene: BLOC1S3 (biogenesis of lysosomal organelles complex 1 subunit 3; plus strand). Cytogenetic location: 19q13.32.
Variant type: single nucleotide variant.
Coding change: c.133G>A on transcript NM_212550.5 (MANE Select); coding-DNA position 133, G replaced by A.
Protein change: p.Gly45Ser; replaces glycine 45 with serine.
Molecular consequence: missense variant.
Genome position (GRCh38, 1-based): chr19:45,179,429, G>A. VCF-style: chr19-45179429-G-A. GRCh37 (hg19) VCF-style: chr19-45682687-G-A.
Other names: c.133G>A (NM_212550.3); short protein forms G45S.
Identifiers: ClinVar variation 1399761 (VCV001399761.5), dbSNP rs1317077760, ClinGen allele CA406344199.

ClinVar aggregate classification (germline): Uncertain significance. Review status: criteria provided, multiple submitters, no conflicts (2 of 4 stars). 2 submissions from 2 submitters: Uncertain significance (2). Last evaluated 2025-08-10.

Conditions:
Inborn genetic diseases. Identifiers: MedGen C0950123, MeSH D030342.

Allele frequency attached by ClinVar (database versions not stated): gnomAD 0.00001.

Submissions (2):

Ambry Genetics
Classification: Uncertain significance for Inborn genetic diseases. Last evaluated: 2025-08-10. Review status: criteria provided, single submitter. Criteria: Ambry Variant Classification Scheme 2023. Collection method: clinical testing. Allele origin: germline.

Labcorp Genetics (formerly Invitae), Labcorp
Classification: Uncertain significance. Last evaluated: 2021-07-27. Review status: criteria provided, single submitter. Criteria: Invitae Variant Classification Sherloc (09022015). Collection method: clinical testing. Allele origin: germline.
Comment: This sequence change replaces glycine with serine at codon 45 of the BLOC1S3 protein (p.Gly45Ser). The glycine residue is moderately conserved and there is a small physicochemical difference between glycine and serine. The frequency data for this variant in the population databases is considered unreliable, as metrics indicate insufficient coverage at this position in the ExAC database. This variant has not been reported in the literature in individuals affected with BLOC1S3-related conditions. Algorithms developed to predict the effect of missense changes on protein structure and function are either unavailable or do not agree on the potential impact of this missense change (SIFT: "Tolerated"; PolyPhen-2: "Probably Damaging"; Align-GVGD: "Class C0"). In summary, the available evidence is currently insufficient to determine the role of this variant in disease. Therefore, it has been classified as a Variant of Uncertain Significance.